The following is an entry in ClinVar:

NM_016156.6(MTMR2):c.1225G>A (p.Gly409Arg)

Gene: MTMR2 (myotubularin related protein 2; minus strand). Cytogenetic location: 11q21.
Variant type: single nucleotide variant.
Coding change: c.1225G>A on transcript NM_016156.6 (MANE Select); coding-DNA position 1225, G replaced by A.
Protein change: p.Gly409Arg; replaces glycine 409 with arginine.
Molecular consequence: missense variant.
Genome position (GRCh38, 1-based): chr11:95,845,114, C>T on the plus strand (G>A on the coding strand, the complement: MTMR2 is on the minus strand). VCF-style: chr11-95845114-C-T. GRCh37 (hg19) VCF-style: chr11-95578278-C-T.
Other names: c.1009G>A, p.Gly337Arg (NM_001243571.2, NM_001440630.1, NM_001440631.1 and 11 more transcripts); c.877G>A, p.Gly293Arg (NM_001440642.1); c.823G>A, p.Gly275Arg (NM_001440643.1); c.1141G>A, p.Gly381Arg (NM_001440647.1); c.1225G>A, p.Gly409Arg (NM_001440648.1); c.1039G>A, p.Gly347Arg (NM_001440649.1, NM_001440650.1); c.1036G>A, p.Gly346Arg (NM_001440651.1); short protein forms G275R, G293R, G337R, G346R, G347R, G381R, G409R.
Identifiers: ClinVar variation 4279839 (VCV004279839.1).
Genomic context (GRCh38, chr11:95,845,114, plus strand): 5'-AAGTGAGCTGAGCTGTGCGATCCCAACCATCACTGCAATGCACTACCACAGACGTCTTCC[C>T]TGACTCTACCTTGTCAGCAATCCTAAGAGCCCCTGCAAGAATAAGCTGGAAAACAGATTT-3'
Protein context (NP_057240.3, residues 399-419): ALRIADKVES[Gly409Arg]KTSVVVHCSD

ClinVar aggregate classification (germline): Uncertain significance (1 of 4 stars; one submission).

Conditions:
Charcot-Marie-Tooth disease type 4B1. Also called: CHARCOT-MARIE-TOOTH DISEASE, DEMYELINATING, TYPE 4B1; CHARCOT-MARIE-TOOTH DISEASE, AUTOSOMAL RECESSIVE, WITH FOCALLY FOLDED MYELIN SHEATHS, AUTOSOMAL RECESSIVE, TYPE 4B1; CHARCOT-MARIE-TOOTH DISEASE, TYPE 4B; Charcot-Marie-Tooth Neuropathy Type 4B1. Identifiers: Orphanet 99955, MedGen C1832399, MONDO:0011066, OMIM 601382.

gnomAD v4.1: 1 of 1,613,956 alleles (0.000062%); highest among the groups gnomAD compares: Non-Finnish European, 0.000085%; no homozygotes.

Submission:

Clinical Genomics Laboratory, Washington University in St. Louis
Classification: Uncertain significance for Charcot-Marie-Tooth disease type 4B1. Last evaluated: 2025-07-11. Review status: criteria provided, single submitter. Criteria: ACMG Guidelines, 2015. Collection method: clinical testing. Allele origin: germline.
Comment: The MTMR2 c.1225G>A (p.Gly409Arg) variant, to our knowledge, has not been reported in the medical literature. This variant is absent from the general population (gnomAD v.2.1.1), indicating it is not a common variant. Computational predictors are uncertain as to the impact of this variant on MTMR2 function. Due to limited information, and based on ACMG/AMP guidelines for variant interpretation (Richards S et al., PMID: 25741868), the clinical significance of this variant is uncertain at this time.